The following is an entry in ClinVar:

ClinVar aggregate classification (germline): Uncertain significance (1 of 4 stars; one submission).

Conditions:
LAMA2-related muscular dystrophy (LAMA2-RD). Also called: Laminin alpha 2-related dystrophy. Identifiers: MedGen C5679788, MONDO:0100228.

gnomAD v4.1: 1 of 1,613,898 alleles (0.000062%); highest among the groups gnomAD compares: East Asian, 0.0022%; no homozygotes.

Submission:

Labcorp Genetics (formerly Invitae), Labcorp
Classification: Uncertain significance for LAMA2-related muscular dystrophy. Last evaluated: 2022-04-04. Review status: criteria provided, single submitter. Criteria: Invitae Variant Classification Sherloc (09022015). Collection method: clinical testing. Allele origin: germline.
Comment: This sequence change replaces arginine, which is basic and polar, with leucine, which is neutral and non-polar, at codon 455 of the LAMA2 protein (p.Arg455Leu). This variant is present in population databases (no rsID available, gnomAD 0.006%). This variant has not been reported in the literature in individuals affected with LAMA2-related conditions. Advanced modeling of protein sequence and biophysical properties (such as structural, functional, and spatial information, amino acid conservation, physicochemical variation, residue mobility, and thermodynamic stability) performed at Invitae indicates that this missense variant is not expected to disrupt LAMA2 protein function. In summary, the available evidence is currently insufficient to determine the role of this variant in disease. Therefore, it has been classified as a Variant of Uncertain Significance.

NM_000426.4(LAMA2):c.1364G>T (p.Arg455Leu)

Gene: LAMA2 (laminin subunit alpha 2; plus strand). Cytogenetic location: 6q22.33.
Variant type: single nucleotide variant.
Coding change: c.1364G>T on transcript NM_000426.4 (MANE Select); coding-DNA position 1364, G replaced by T.
Protein change: p.Arg455Leu; replaces arginine 455 with leucine.
Molecular consequence: missense variant.
Genome position (GRCh38, 1-based): chr6:129,177,763, G>T. VCF-style: chr6-129177763-G-T. GRCh37 (hg19) VCF-style: chr6-129498908-G-T.
Other names: c.1364G>T, p.Arg455Leu (NM_001079823.2); short protein forms R455L.
Identifiers: ClinVar variation 2191726 (VCV002191726.1), dbSNP rs201177178, ClinGen allele CA365607513.